The following is an entry in ClinVar:

ClinVar aggregate classification (germline): Uncertain significance (1 of 4 stars; one submission).

Submission:

Labcorp Genetics (formerly Invitae), Labcorp
Classification: Uncertain significance. Last evaluated: 2023-01-19. Review status: criteria provided, single submitter. Criteria: Invitae Variant Classification Sherloc (09022015). Collection method: clinical testing. Allele origin: germline.
Comment: In summary, the available evidence is currently insufficient to determine the role of this variant in disease. Therefore, it has been classified as a Variant of Uncertain Significance. Algorithms developed to predict the effect of missense changes on protein structure and function (SIFT, PolyPhen-2, Align-GVGD) all suggest that this variant is likely to be tolerated. This variant has not been reported in the literature in individuals affected with TBX20-related conditions. This variant is not present in population databases (gnomAD no frequency). This sequence change replaces alanine, which is neutral and non-polar, with proline, which is neutral and non-polar, at codon 52 of the TBX20 protein (p.Ala52Pro).

NM_001077653.2(TBX20):c.154G>C (p.Ala52Pro)

Gene: TBX20 (T-box transcription factor 20; minus strand). Cytogenetic location: 7p14.2.
Variant type: single nucleotide variant.
Coding change: c.154G>C on transcript NM_001077653.2 (MANE Select); coding-DNA position 154, G replaced by C.
Protein change: p.Ala52Pro; replaces alanine 52 with proline.
Molecular consequence: missense variant.
Genome position (GRCh38, 1-based): chr7:35,250,177, C>G on the plus strand (G>C on the coding strand, the complement: TBX20 is on the minus strand). VCF-style: chr7-35250177-C-G. GRCh37 (hg19) VCF-style: chr7-35289789-C-G.
Other names: c.154G>C, p.Ala52Pro (NM_001166220.1); short protein forms A52P.
Identifiers: ClinVar variation 2109290 (VCV002109290.4), dbSNP rs868663228, ClinGen allele CA156929434.
Genomic context (GRCh38, chr7:35,250,177, plus strand): 5'-CACTGCCTCCACCAAACTCCCCATGAGCATCCAGGCTGGTCAGCTCACCCAGGGGCTGGG[C>G]ACAGGACGACTTCTCCACAAATTGCTCTGGAGGTAAAGAGAATTGTGAATGACAGCTGAC-3'
Protein context (NP_001071121.1, residues 42-62): LEQFVEKSSC[Ala52Pro]QPLGELTSLD